The following is an entry in ClinVar:

NM_001711.6(BGN):c.239G>A (p.Gly80Asp)

Gene: BGN (biglycan; plus strand). Cytogenetic location: Xq28.
Variant type: single nucleotide variant.
Coding change: c.239G>A on transcript NM_001711.6 (MANE Select); coding-DNA position 239, G replaced by A.
Protein change: p.Gly80Asp; replaces glycine 80 with aspartic acid.
Molecular consequence: missense variant.
Genome position (GRCh38, 1-based): chrX:153,505,238, G>A. VCF-style: chrX-153505238-G-A. GRCh37 (hg19) VCF-style: chrX-152770696-G-A.
Other names: c.239G>A (NM_001711.5, NM_001711.4); short protein forms G80D.
Identifiers: ClinVar variation 1946995 (VCV001946995.9), dbSNP rs1556992777, ClinGen allele CA415068695.

ClinVar aggregate classification (germline): Uncertain significance. Review status: criteria provided, multiple submitters, no conflicts (2 of 4 stars). 3 submissions from 3 submitters: Uncertain significance (3). Last evaluated 2026-02-23.

Conditions:
Cardiovascular phenotype. Identifiers: MedGen CN230736.

Allele frequency attached by ClinVar (database versions not stated): gnomAD 0.00002; gnomAD exomes 0.00002.

Submissions (3):

GeneDx
Classification: Uncertain significance. Last evaluated: 2026-02-23. Review status: criteria provided, single submitter. Criteria: GeneDx Variant Classification Process June 2021. Collection method: clinical testing. Allele origin: germline.
Comment: Has not been previously published as pathogenic or benign to our knowledge; In silico analysis supports that this missense variant has a deleterious effect on protein structure/function; In silico analysis suggests this variant may impact gene splicing. In the absence of RNA/functional studies, the actual effect of this sequence change is unknown.

Labcorp Genetics (formerly Invitae), Labcorp
Classification: Uncertain significance. Last evaluated: 2025-11-05. Review status: criteria provided, single submitter. Criteria: Invitae Variant Classification Sherloc (09022015). Collection method: clinical testing. Allele origin: germline.
Comment: This sequence change replaces glycine, which is neutral and non-polar, with aspartic acid, which is acidic and polar, at codon 80 of the BGN protein (p.Gly80Asp). This variant is present in population databases (no rsID available, gnomAD 0.008%). This variant has not been reported in the literature in individuals affected with BGN-related conditions. ClinVar contains an entry for this variant (Variation ID: 1946995). An algorithm developed to predict the effect of missense changes on protein structure and function outputs the following: PolyPhen-2: "Benign". The aspartic acid amino acid residue is found in multiple mammalian species, which suggests that this missense change does not adversely affect protein function. In summary, the available evidence is currently insufficient to determine the role of this variant in disease. Therefore, it has been classified as a Variant of Uncertain Significance.

Ambry Genetics
Classification: Uncertain significance for Cardiovascular phenotype. Last evaluated: 2025-08-23. Review status: criteria provided, single submitter. Criteria: Ambry Variant Classification Scheme 2023. Collection method: clinical testing. Allele origin: germline.